The following is an entry in ClinVar:

ClinVar aggregate classification (germline): Uncertain significance. Review status: criteria provided, multiple submitters, no conflicts (2 of 4 stars). 2 submissions from 2 submitters: Uncertain significance (2). Last evaluated 2025-11-14.

Conditions:
Cardiovascular phenotype. Identifiers: MedGen CN230736.
Hereditary cancer-predisposing syndrome. Also called: Tumor predisposition; Hereditary Cancer Syndrome; Neoplastic Syndromes, Hereditary; Hereditary neoplastic syndrome. Identifiers: Orphanet 140162, MedGen C0027672, MeSH D009386, MONDO:0015356.
Neurofibromatosis, type 1 (NF1). Also called: VON RECKLINGHAUSEN DISEASE; Peripheral type neurofibromatosis; Neurofibromatosis, type I; NEUROFIBROMATOSIS, TYPE I, SOMATIC. Identifiers: Orphanet 636, MedGen C0027831, MONDO:0018975, OMIM 162200. Disease mechanism: loss of function.

Submissions (2):

Ambry Genetics
Classification: Uncertain significance for Cardiovascular phenotype; Hereditary cancer-predisposing syndrome. Last evaluated: 2025-11-14. Review status: criteria provided, single submitter. Criteria: Ambry Variant Classification Scheme 2023. Collection method: clinical testing. Allele origin: germline.
Comment: The p.A198E variant (also known as c.593C>A), located in coding exon 6 of the NF1 gene, results from a C to A substitution at nucleotide position 593. The alanine at codon 198 is replaced by glutamic acid, an amino acid with dissimilar properties. This amino acid position is not well conserved in available vertebrate species. In addition, the in silico prediction for this alteration is inconclusive. Based on the available evidence, the clinical significance of this variant remains unclear.

Labcorp Genetics (formerly Invitae), Labcorp
Classification: Uncertain significance for Neurofibromatosis, type 1. Last evaluated: 2022-02-19. Review status: criteria provided, single submitter. Criteria: Invitae Variant Classification Sherloc (09022015). Collection method: clinical testing. Allele origin: germline.
Comment: In summary, the available evidence is currently insufficient to determine the role of this variant in disease. Therefore, it has been classified as a Variant of Uncertain Significance. Advanced modeling of protein sequence and biophysical properties (such as structural, functional, and spatial information, amino acid conservation, physicochemical variation, residue mobility, and thermodynamic stability) performed at Invitae indicates that this missense variant is not expected to disrupt NF1 protein function. ClinVar contains an entry for this variant (Variation ID: 216408). This variant has not been reported in the literature in individuals affected with NF1-related conditions. This variant is not present in population databases (gnomAD no frequency). This sequence change replaces alanine, which is neutral and non-polar, with glutamic acid, which is acidic and polar, at codon 198 of the NF1 protein (p.Ala198Glu).

NM_001042492.3(NF1):c.593C>A (p.Ala198Glu)

Gene: NF1 (neurofibromin 1; plus strand). Cytogenetic location: 17q11.2.
Variant type: single nucleotide variant.
Coding change: c.593C>A on transcript NM_001042492.3 (MANE Select); coding-DNA position 593, C replaced by A.
Protein change: p.Ala198Glu; replaces alanine 198 with glutamic acid.
Molecular consequence: missense variant.
Genome position (GRCh38, 1-based): chr17:31,181,428, C>A. VCF-style: chr17-31181428-C-A. GRCh37 (hg19) VCF-style: chr17-29508446-C-A.
Other names: c.593C>A, p.Ala198Glu (NM_000267.4, NM_001128147.3); short protein forms A198E.
Identifiers: ClinVar variation 216408 (VCV000216408.6), dbSNP rs863224663, ClinGen allele CA337644.